The following is an entry in ClinVar:

NM_002335.4(LRP5):c.1329G>A (p.Thr443=)

Gene: LRP5 (LDL receptor related protein 5; plus strand). Cytogenetic location: 11q13.2.
Variant type: single nucleotide variant.
Coding change: c.1329G>A on transcript NM_002335.4 (MANE Select); coding-DNA position 1329, G replaced by A.
Protein change: p.Thr443=; no amino-acid change (threonine 443 retained).
Molecular consequence: synonymous variant. On other transcripts: 5 prime UTR variant (1).
Genome position (GRCh38, 1-based): chr11:68,386,629, G>A. VCF-style: chr11-68386629-G-A. GRCh37 (hg19) VCF-style: chr11-68154097-G-A.
Other names: c.-437G>A (NM_001291902.2); c.1329G>A (NM_002335.3).
Identifiers: ClinVar variation 1114317 (VCV001114317.9), dbSNP rs142511038, ClinGen allele CA6149304.

ClinVar aggregate classification (germline): Likely benign. Review status: criteria provided, multiple submitters, no conflicts (2 of 4 stars). 3 submissions from 3 submitters: Likely benign (2). 1 of the submissions does not count toward it. Last evaluated 2025-12-23.

Conditions:
LRP5-related disorder. Also called: LRP5-related condition.

Allele frequency attached by ClinVar (database versions not stated): gnomAD exomes 0.00007; ExAC 0.00009; gnomAD 0.00009 and 0.00011; TOPMed 0.00011; ESP Exome Variant Server 0.00015.
gnomAD v4.1: 39 of 1,613,498 alleles (0.0024%); highest among the groups gnomAD compares: African/African-American, 0.021%; 1 homozygote.

Submissions (3):

Labcorp Genetics (formerly Invitae), Labcorp
Classification: Likely benign. Last evaluated: 2025-12-23. Review status: criteria provided, single submitter. Criteria: Invitae Variant Classification Sherloc (09022015). Collection method: clinical testing. Allele origin: germline.

Blueprint Genetics
Classification: Likely benign. Last evaluated: 2024-03-04. Review status: criteria provided, single submitter. Criteria: ACMG Guidelines, 2015. Collection method: clinical testing. Allele origin: germline.

PreventionGenetics, part of Exact Sciences
Classification: Likely benign for LRP5-related condition. Last evaluated: 2024-08-22. Review status: no assertion criteria provided. Collection method: clinical testing. Allele origin: germline. Not counted in ClinVar's aggregate classification.
Comment: This variant is classified as likely benign based on ACMG/AMP sequence variant interpretation guidelines (Richards et al. 2015 PMID: 25741868, with internal and published modifications).